The following is an entry in ClinVar:

ClinVar aggregate classification (germline): Conflicting classifications of pathogenicity. Review status: criteria provided, conflicting classifications (1 of 4 stars). 9 submissions from 9 submitters: Uncertain significance (5); Likely benign (4). Last evaluated 2026-07-01.

Conditions:
Fanconi anemia complementation group P. Also called: SLX4-Related Fanconi Anemia. Identifiers: Orphanet 84, MedGen C3469542, MONDO:0013499, OMIM 613951.
Fanconi anemia (FA). Also called: Fanconi's anemia. Identifiers: Orphanet 84, MedGen C0015625, MeSH D005199, MONDO:0019391.

Allele frequency attached by ClinVar (database versions not stated): 1000 Genomes Project 30x 0.00062; gnomAD 0.00075 and 0.00078; gnomAD exomes 0.00077 and 0.00059; ESP Exome Variant Server 0.00015; TOPMed 0.00034; 1000 Genomes Project 0.00060; ExAC 0.00060.

Submissions (9):

CeGaT Center for Human Genetics Tuebingen
Classification: Likely benign. Last evaluated: 2026-07-01. Review status: criteria provided, single submitter. Criteria: CeGaT Center For Human Genetics Tuebingen Variant Classification Criteria Version 2. Collection method: clinical testing. Allele origin: germline. Affected: yes. Observed: 3 variant alleles.
Comment: SLX4: BP4

Labcorp Genetics (formerly Invitae), Labcorp
Classification: Likely benign for Fanconi anemia. Last evaluated: 2026-01-24. Review status: criteria provided, single submitter. Criteria: Invitae Variant Classification Sherloc (09022015). Collection method: clinical testing. Allele origin: germline.

Mayo Clinic Laboratories, Mayo Clinic
Classification: Uncertain significance. Last evaluated: 2025-10-08. Review status: criteria provided, single submitter. Criteria: ACMG Guidelines, 2015. Collection method: clinical testing. Allele origin: germline. Observed: 1 variant allele.
Comment: BP4_moderate

Blueprint Genetics
Classification: Likely benign. Last evaluated: 2024-10-23. Review status: criteria provided, single submitter. Criteria: ACMG Guidelines, 2015. Collection method: clinical testing. Allele origin: germline.

Institute for Clinical Genetics, University Hospital TU Dresden, University Hospital TU Dresden
Classification: Uncertain significance. Last evaluated: 2021-11-03. Review status: criteria provided, single submitter. Criteria: ACMG Guidelines, 2015. Collection method: clinical testing. Allele origin: germline.

Sema4
Classification: Likely benign for Fanconi anemia. Last evaluated: 2021-06-13. Review status: criteria provided, single submitter. Criteria: Sema4 Curation Guidelines. Collection method: curation. Allele origin: germline.

Genetic Services Laboratory, University of Chicago
Classification: Uncertain significance. Last evaluated: 2021-01-05. Review status: criteria provided, single submitter. Criteria: ACMG Guidelines, 2015. Collection method: clinical testing. Allele origin: germline. Affected: no.
Comment: This sequence change does not appear to have been previously described in patients with SLX4-related disorders and has been described in the gnomAD database with a relatively high population frequency of 0.49% in the Finnish subpopulation (dbSNP rs144832924). The p.Arg29Cys change affects a poorly conserved amino acid residue located in a domain of the SLX4 protein that is not known to be functional. In-silico pathogenicity prediction tools (SIFT, PolyPhen2, Align GVGD, REVEL) provide contradictory results for the p.Arg29Cys substitution. Due to these contrasting evidences and the lack of functional studies, the clinical significance of the p.Arg29Cys change remains unknown at this time.

GeneDx
Classification: Uncertain significance. Last evaluated: 2019-10-24. Review status: criteria provided, single submitter. Criteria: GeneDx Variant Classification Process June 2021. Collection method: clinical testing. Allele origin: germline. Affected: yes.
Comment: In silico analysis, which includes protein predictors and evolutionary conservation, supports that this variant does not alter protein structure/function; Has not been previously published as pathogenic or benign to our knowledge

Illumina Laboratory Services, Illumina
Classification: Uncertain significance for Fanconi anemia complementation group P. Last evaluated: 2018-01-12. Review status: criteria provided, single submitter. Criteria: ICSL Variant Classification Criteria 13 December 2019. Collection method: clinical testing. Allele origin: germline.

NM_032444.4(SLX4):c.85C>T (p.Arg29Cys)

Gene: SLX4 (SLX4 structure-specific endonuclease subunit; minus strand). Cytogenetic location: 16p13.3.
Variant type: single nucleotide variant.
Coding change: c.85C>T on transcript NM_032444.4 (MANE Select); coding-DNA position 85, C replaced by T.
Protein change: p.Arg29Cys; replaces arginine 29 with cysteine.
Molecular consequence: missense variant.
Genome position (GRCh38, 1-based): chr16:3,608,880, G>A on the plus strand (C>T on the coding strand, the complement: SLX4 is on the minus strand). VCF-style: chr16-3608880-G-A. GRCh37 (hg19) VCF-style: chr16-3658881-G-A.
Other names: p.Arg29Cys; c.85C>T (LRG_503t1); short protein forms R29C.
Identifiers: ClinVar variation 456340 (VCV000456340.30), dbSNP rs144832924, ClinGen allele CA7866957.